The following is an entry in ClinVar:

ClinVar aggregate classification (germline): Uncertain significance (1 of 4 stars; one submission).

Conditions:
Inborn genetic diseases. Identifiers: MedGen C0950123, MeSH D030342.

Allele frequency attached by ClinVar (database versions not stated): gnomAD exomes below 0.00001; TOPMed below 0.00001.

Submission:

Ambry Genetics
Classification: Uncertain significance for Inborn genetic diseases. Last evaluated: 2022-06-16. Review status: criteria provided, single submitter. Criteria: Ambry Variant Classification Scheme 2023. Collection method: clinical testing. Allele origin: germline.
Comment: Not expected to trigger nonsense-mediated mRNA decay Based on insufficient or conflicting evidence, the clinical significance of this alteration remains unclear.

NM_001077418.3(TMEM231):c.748C>T (p.Arg250Ter)

Gene: TMEM231 (transmembrane protein 231; minus strand). Cytogenetic location: 16q23.1.
Variant type: single nucleotide variant.
Coding change: c.748C>T on transcript NM_001077418.3 (MANE Select); coding-DNA position 748, C replaced by T.
Protein change: p.Arg250Ter; replaces arginine 250 with a stop codon.
Molecular consequence: nonsense. On other transcripts: non-coding transcript variant (1).
Genome position (GRCh38, 1-based): chr16:75,541,372, G>A on the plus strand (C>T on the coding strand, the complement: TMEM231 is on the minus strand). VCF-style: chr16-75541372-G-A. GRCh37 (hg19) VCF-style: chr16-75575270-G-A.
Other names: c.907C>T, p.Arg303Ter (NM_001077416.2); short protein forms R250*, R303*.
Identifiers: ClinVar variation 2288244 (VCV002288244.2), dbSNP rs2080626295, ClinGen allele CA396804224.